The following is an entry in ClinVar:

NM_000368.5(TSC1):c.1830G>T (p.Val610=)

Gene: TSC1 (TSC complex subunit 1; minus strand). Cytogenetic location: 9q34.13.
Variant type: single nucleotide variant.
Coding change: c.1830G>T on transcript NM_000368.5 (MANE Select); coding-DNA position 1830, G replaced by T.
Protein change: p.Val610=; no amino-acid change (valine 610 retained).
Molecular consequence: synonymous variant. On other transcripts: non-coding transcript variant (5).
Genome position (GRCh38, 1-based): chr9:132,905,748, C>A on the plus strand (G>T on the coding strand, the complement: TSC1 is on the minus strand). VCF-style: chr9-132905748-C-A. GRCh37 (hg19) VCF-style: chr9-135781135-C-A.
Other names: c.1467G>T, p.Val489= (NM_001406624.1, NM_001362177.2, NM_001406614.1 and 5 more transcripts); c.1464G>T, p.Val488= (NM_001406625.1, NM_001406622.1, NM_001406623.1 and 2 more transcripts); c.879G>T, p.Val293= (NM_001406626.1); c.876G>T, p.Val292= (NM_001406627.1, NM_001406628.1); c.777G>T, p.Val259= (NM_001406629.1, NM_001406630.1); c.1827G>T, p.Val609= (NM_001162426.2, NM_001406597.1, NM_001406598.1 and 6 more transcripts); c.1677G>T, p.Val559= (NM_001162427.2, NM_001406610.1); c.1830G>T, p.Val610= (NM_001406592.1, NM_001406593.1, NM_001406594.1 and 7 more transcripts); and 1 more.
Identifiers: ClinVar variation 3071195 (VCV003071195.1), dbSNP rs2131820356, ClinGen allele CA467813157.

ClinVar aggregate classification (germline): Likely benign (1 of 4 stars; one submission).

Conditions:
Tuberous sclerosis syndrome (TSC). Also called: Tuberous Sclerosis Complex; Tuberous sclerosis. Identifiers: Orphanet 805, MedGen C0041341, MONDO:0001734.

Submission:

All of Us Research Program, National Institutes of Health
Classification: Likely benign for Tuberous sclerosis syndrome. Last evaluated: 2023-05-16. Review status: criteria provided, single submitter. Criteria: ACMG Guidelines, 2015. Collection method: clinical testing. Allele origin: germline. Inheritance: Autosomal dominant inheritance. Observed: 1 variant allele, 1 heterozygote.
Comment: This study involves interpretation of variants in research participants for the purpose of population health screening. Participant phenotype was not available at the time of variant classification. Additional details can be found in publication PMID: 35346344, PMCID: PMC8962531